The following is an entry in ClinVar:

NM_001364905.1(LRBA):c.2678T>G (p.Ile893Arg)

Gene: LRBA (LPS responsive beige-like anchor protein; minus strand). Cytogenetic location: 4q31.3.
Variant type: single nucleotide variant.
Coding change: c.2678T>G on transcript NM_001364905.1 (MANE Select); coding-DNA position 2678, T replaced by G.
Protein change: p.Ile893Arg; replaces isoleucine 893 with arginine.
Molecular consequence: missense variant.
Genome position (GRCh38, 1-based): chr4:150,867,759, A>C on the plus strand (T>G on the coding strand, the complement: LRBA is on the minus strand). VCF-style: chr4-150867759-A-C. GRCh37 (hg19) VCF-style: chr4-151788911-A-C.
Other names: c.2678T>G, p.Ile893Arg (NM_001199282.3, NM_001367550.1, NM_006726.5); short protein forms I893R.
Identifiers: ClinVar variation 1000833 (VCV001000833.8), dbSNP rs376733273, ClinGen allele CA107830675.

ClinVar aggregate classification (germline): Uncertain significance (1 of 4 stars; one submission).

Conditions:
Combined immunodeficiency due to LRBA deficiency. Also called: Common variable immunodeficiency 8, with autoimmunity. Identifiers: Orphanet 445018, MedGen C3553512, MONDO:0013863, OMIM 614700.

Allele frequency attached by ClinVar (database versions not stated): gnomAD exomes below 0.00001; TOPMed 0.00001; ESP Exome Variant Server 0.00008.
gnomAD v4.1: 3 of 1,613,894 alleles (0.00019%); highest among the groups gnomAD compares: Non-Finnish European, 0.00025%; no homozygotes.

Submission:

Labcorp Genetics (formerly Invitae), Labcorp
Classification: Uncertain significance for Combined immunodeficiency due to LRBA deficiency. Last evaluated: 2020-01-10. Review status: criteria provided, single submitter. Criteria: Invitae Variant Classification Sherloc (09022015). Collection method: clinical testing. Allele origin: germline.
Comment: This sequence change replaces isoleucine with arginine at codon 893 of the LRBA protein (p.Ile893Arg). The isoleucine residue is weakly conserved and there is a moderate physicochemical difference between isoleucine and arginine. In summary, the available evidence is currently insufficient to determine the role of this variant in disease. Therefore, it has been classified as a Variant of Uncertain Significance. Algorithms developed to predict the effect of missense changes on protein structure and function are either unavailable or do not agree on the potential impact of this missense change (SIFT: "Deleterious"; PolyPhen-2: "Probably Damaging"; Align-GVGD: "Class C0"). This variant has not been reported in the literature in individuals with LRBA-related conditions. This variant is not present in population databases (ExAC no frequency).